The following is an entry in ClinVar:

NM_000135.4(FANCA):c.1480C>T (p.Leu494Phe)

Gene: FANCA (FA complementation group A; minus strand). Cytogenetic location: 16q24.3.
Variant type: single nucleotide variant.
Coding change: c.1480C>T on transcript NM_000135.4 (MANE Select); coding-DNA position 1480, C replaced by T.
Protein change: p.Leu494Phe; replaces leucine 494 with phenylalanine.
Molecular consequence: missense variant.
Genome position (GRCh38, 1-based): chr16:89,783,093, G>A on the plus strand (C>T on the coding strand, the complement: FANCA is on the minus strand). VCF-style: chr16-89783093-G-A. GRCh37 (hg19) VCF-style: chr16-89849501-G-A.
Other names: c.1480C>T (LRG_495t1); c.1480C>T, p.Leu494Phe (NM_001286167.3); short protein forms L494F.
Identifiers: ClinVar variation 408206 (VCV000408206.8), dbSNP rs1060501886, ClinGen allele CA16615472.
Genomic context (GRCh38, chr16:89,783,093, plus strand): 5'-CCAATGAGATGTAGTCTGTGAGGAGGGAGCGGTACTTGCCGGGAACCAGGGGTGGGTGGA[G>A]AATGTGCACCTGAGGATAGATAGCAGAGCGCAGCACCGTTAGTCTGGGAACTGCCTGGGA-3'
Protein context (NP_000126.2, residues 484-504): ESPRYLQVHI[Leu494Phe]HPPLVPGKYR

ClinVar aggregate classification (germline): Uncertain significance (1 of 4 stars; one submission).

Conditions:
Fanconi anemia (FA). Also called: Fanconi's anemia. Identifiers: Orphanet 84, MedGen C0015625, MeSH D005199, MONDO:0019391.

Allele frequency attached by ClinVar (database versions not stated): gnomAD 0.00001.
gnomAD v4.1: 2 of 1,612,374 alleles (0.00012%); highest among the groups gnomAD compares: East Asian, 0.0022%; no homozygotes.

Submission:

Labcorp Genetics (formerly Invitae), Labcorp
Classification: Uncertain significance for Fanconi anemia. Last evaluated: 2017-08-23. Review status: criteria provided, single submitter. Criteria: Invitae Variant Classification Sherloc (09022015). Collection method: clinical testing. Allele origin: germline.
Comment: In summary, the available evidence is currently insufficient to determine the role of this variant in disease. Therefore, it has been classified as a Variant of Uncertain Significance. Algorithms developed to predict the effect of missense changes on protein structure and function output the following: SIFT: "Tolerated"; PolyPhen-2: "Possibly Damaging"; Align-GVGD: "Class C0". The phenylalanine amino acid residue is found in multiple mammalian species, suggesting that this missense change does not adversely affect protein function. These predictions have not been confirmed by published functional studies and their clinical significance is uncertain. This variant has not been reported in the literature in individuals with FANCA-related disease. ClinVar contains an entry for this variant (Variation ID: 408206). This variant is not present in population databases (ExAC no frequency). This sequence change replaces leucine with phenylalanine at codon 494 of the FANCA protein (p.Leu494Phe). The leucine residue is moderately conserved and there is a small physicochemical difference between leucine and phenylalanine.